The following is an entry in ClinVar:

ClinVar aggregate classification (germline): Uncertain significance (1 of 4 stars; one submission).

Conditions:
Developmental and epileptic encephalopathy, 53. Also called: Epileptic encephalopathy, early infantile, 53. Identifiers: MedGen C4479313, MONDO:0033362, OMIM 617389.
Early-onset Parkinson disease 20. Also called: PARKINSON DISEASE 20, AUTOSOMAL RECESSIVE EARLY-ONSET. Identifiers: Orphanet 391411, MedGen C3809824, MONDO:0014233, OMIM 615530.

Allele frequency attached by ClinVar (database versions not stated): gnomAD 0.00001.
gnomAD v4.1: 4 of 1,614,004 alleles (0.00025%); highest among the groups gnomAD compares: East Asian, 0.0022%; no homozygotes.

Submission:

Labcorp Genetics (formerly Invitae), Labcorp
Classification: Uncertain significance for Developmental and epileptic encephalopathy, 53; Early-onset Parkinson disease 20. Last evaluated: 2022-05-19. Review status: criteria provided, single submitter. Criteria: Invitae Variant Classification Sherloc (09022015). Collection method: clinical testing. Allele origin: germline.
Comment: This sequence change replaces histidine, which is basic and polar, with arginine, which is basic and polar, at codon 185 of the SYNJ1 protein (p.His185Arg). This variant is not present in population databases (gnomAD no frequency). This variant has not been reported in the literature in individuals affected with SYNJ1-related conditions. ClinVar contains an entry for this variant (Variation ID: 1020033). Algorithms developed to predict the effect of missense changes on protein structure and function (SIFT, PolyPhen-2, Align-GVGD) all suggest that this variant is likely to be tolerated. In summary, the available evidence is currently insufficient to determine the role of this variant in disease. Therefore, it has been classified as a Variant of Uncertain Significance.

NM_203446.3(SYNJ1):c.437A>G (p.His146Arg)

Gene: SYNJ1 (synaptojanin 1; minus strand). Cytogenetic location: 21q22.11.
Variant type: single nucleotide variant.
Coding change: c.437A>G on transcript NM_203446.3 (MANE Select); coding-DNA position 437, A replaced by G.
Protein change: p.His146Arg; replaces histidine 146 with arginine.
Molecular consequence: missense variant.
Genome position (GRCh38, 1-based): chr21:32,699,880, T>C on the plus strand (A>G on the coding strand, the complement: SYNJ1 is on the minus strand). VCF-style: chr21-32699880-T-C. GRCh37 (hg19) VCF-style: chr21-34072190-T-C.
Other names: c.437A>G, p.His146Arg (NM_001160302.2, NM_001160306.2); c.554A>G, p.His185Arg (NM_003895.4); short protein forms H146R, H185R.
Identifiers: ClinVar variation 1020033 (VCV001020033.4), dbSNP rs2042338087, ClinGen allele CA410101188.